The following is an entry in ClinVar:

NM_001261826.3(AP3D1):c.2497G>C (p.Asp833His)

Gene: AP3D1 (adaptor related protein complex 3 subunit delta 1; minus strand). Cytogenetic location: 19p13.3.
Variant type: single nucleotide variant.
Coding change: c.2497G>C on transcript NM_001261826.3 (MANE Select); coding-DNA position 2497, G replaced by C.
Protein change: p.Asp833His; replaces aspartic acid 833 with histidine.
Molecular consequence: missense variant.
Genome position (GRCh38, 1-based): chr19:2,114,229, C>G on the plus strand (G>C on the coding strand, the complement: AP3D1 is on the minus strand). VCF-style: chr19-2114229-C-G. GRCh37 (hg19) VCF-style: chr19-2114228-C-G.
Other names: c.2497G>C, p.Asp833His (NM_001374799.1, NM_003938.8); short protein forms D833H.
Identifiers: ClinVar variation 4713748 (VCV004713748.1).

ClinVar aggregate classification (germline): Uncertain significance (1 of 4 stars; one submission).

Submission:

Labcorp Genetics (formerly Invitae), Labcorp
Classification: Uncertain significance. Last evaluated: 2025-03-04. Review status: criteria provided, single submitter. Criteria: Invitae Variant Classification Sherloc (09022015). Collection method: clinical testing. Allele origin: germline.
Comment: This sequence change replaces aspartic acid, which is acidic and polar, with histidine, which is basic and polar, at codon 833 of the AP3D1 protein (p.Asp833His). This variant is not present in population databases (gnomAD no frequency). This variant has not been reported in the literature in individuals affected with AP3D1-related conditions. An algorithm developed to predict the effect of missense changes on protein structure and function outputs the following: PolyPhen-2: "Benign". The histidine amino acid residue is found in multiple mammalian species, which suggests that this missense change does not adversely affect protein function. In summary, the available evidence is currently insufficient to determine the role of this variant in disease. Therefore, it has been classified as a Variant of Uncertain Significance.